The following is an entry in ClinVar:

ClinVar aggregate classification (germline): Uncertain significance. Review status: criteria provided, multiple submitters, no conflicts (2 of 4 stars). 2 submissions from 2 submitters: Uncertain significance (2). Last evaluated 2024-04-17.

Conditions:
Congenital myasthenic syndrome 8. Also called: MYASTHENIC SYNDROME, CONGENITAL, DUE TO AGRIN DEFICIENCY; Myasthenic syndrome, congenital, 8, with pre- and postsynaptic defects. Identifiers: Orphanet 590, MedGen C3808739, MONDO:0014052, OMIM 615120.

Allele frequency attached by ClinVar (database versions not stated): ExAC 0.00004; gnomAD exomes 0.00004 and 0.00005; gnomAD 0.00008 and 0.00009; TOPMed 0.00008; ESP Exome Variant Server 0.00023.
gnomAD v4.1: 70 of 1,611,474 alleles (0.0043%); highest among the groups gnomAD compares: Admixed American, 0.018%; no homozygotes.

Submissions (2):

GeneDx
Classification: Uncertain significance. Last evaluated: 2024-04-17. Review status: criteria provided, single submitter. Criteria: GeneDx Variant Classification Process June 2021. Collection method: clinical testing. Allele origin: germline. Affected: yes.
Comment: In silico analysis indicates that this missense variant does not alter protein structure/function; Has not been previously published as pathogenic or benign to our knowledge

Labcorp Genetics (formerly Invitae), Labcorp
Classification: Uncertain significance for Congenital myasthenic syndrome 8. Last evaluated: 2023-12-30. Review status: criteria provided, single submitter. Criteria: Invitae Variant Classification Sherloc (09022015). Collection method: clinical testing. Allele origin: germline.
Comment: This sequence change replaces arginine, which is basic and polar, with histidine, which is basic and polar, at codon 884 of the AGRN protein (p.Arg884His). This variant is present in population databases (rs369686860, gnomAD 0.02%). This variant has not been reported in the literature in individuals affected with AGRN-related conditions. ClinVar contains an entry for this variant (Variation ID: 474107). Algorithms developed to predict the effect of missense changes on protein structure and function output the following: SIFT: "Not Available"; PolyPhen-2: "Possibly Damaging"; Align-GVGD: "Not Available". The histidine amino acid residue is found in multiple mammalian species, which suggests that this missense change does not adversely affect protein function. In summary, the available evidence is currently insufficient to determine the role of this variant in disease. Therefore, it has been classified as a Variant of Uncertain Significance.

NM_198576.4(AGRN):c.2651G>A (p.Arg884His)

Gene: AGRN (agrin; plus strand). Cytogenetic location: 1p36.33.
Variant type: single nucleotide variant.
Coding change: c.2651G>A on transcript NM_198576.4 (MANE Select); coding-DNA position 2651, G replaced by A.
Protein change: p.Arg884His; replaces arginine 884 with histidine.
Molecular consequence: missense variant.
Genome position (GRCh38, 1-based): chr1:1,045,847, G>A. VCF-style: chr1-1045847-G-A. GRCh37 (hg19) VCF-style: chr1-981227-G-A.
Other names: c.2651G>A, p.Arg884His (NM_001305275.2); c.2336G>A, p.Arg779His (NM_001364727.2); short protein forms R884H, R779H.
Identifiers: ClinVar variation 474107 (VCV000474107.7), dbSNP rs369686860, ClinGen allele CA508729.